The following is an entry in ClinVar:

NC_000011.9:g.(?_2604645)_(2604795_?)del

Gene: KCNQ1 (potassium voltage-gated channel subfamily Q member 1; plus strand). Cytogenetic location: 11p15.5.
Variant type: Deletion.
Identifiers: ClinVar variation 3244541 (VCV003244541.1).

ClinVar aggregate classification (germline): Pathogenic (1 of 4 stars; one submission).

Conditions:
Long QT syndrome (LQTS). Identifiers: MedGen C0023976, MeSH D008133, MONDO:0002442. Disease mechanism: loss of function. Inheritance: Various modes of inheritance.

Submission:

Labcorp Genetics (formerly Invitae), Labcorp
Classification: Pathogenic for Long QT syndrome. Last evaluated: 2023-10-20. Review status: criteria provided, single submitter. Criteria: Invitae Variant Classification Sherloc (09022015). Collection method: clinical testing. Allele origin: unknown.
Comment: This variant is a gross deletion of the genomic region encompassing exon(s) 7 of the KCNQ1 gene. This variant would be expected to be in-frame, preserving the integrity of the reading frame. A similar copy number variant has been observed in individual(s) with long QT syndrome (PMID: 25889101). It has also been observed to segregate with disease in related individuals. Algorithms developed to predict the effect of variants on protein structure and function are not available or were not evaluated for this variant. Experimental studies have shown that a similar copy number variant affects KCNQ1 function (PMID: 25889101). For these reasons, this variant has been classified as Pathogenic.

Literature cited by the submitters: PubMed 25889101.